The following is an entry in ClinVar:

NM_003014.4(SFRP4):c.310G>A (p.Ala104Thr)

Gene: SFRP4 (secreted frizzled related protein 4; minus strand). Cytogenetic location: 7p14.1.
Variant type: single nucleotide variant.
Coding change: c.310G>A on transcript NM_003014.4 (MANE Select); coding-DNA position 310, G replaced by A.
Protein change: p.Ala104Thr; replaces alanine 104 with threonine.
Molecular consequence: missense variant.
Genome position (GRCh38, 1-based): chr7:37,916,228, C>T on the plus strand (G>A on the coding strand, the complement: SFRP4 is on the minus strand). VCF-style: chr7-37916228-C-T. GRCh37 (hg19) VCF-style: chr7-37955830-C-T.
Other names: c.310G>A (NM_003014.3); short protein forms A104T.
Identifiers: ClinVar variation 1428250 (VCV001428250.7), dbSNP rs201127378, ClinGen allele CA4222904.

ClinVar aggregate classification (germline): Uncertain significance. Review status: criteria provided, multiple submitters, no conflicts (2 of 4 stars). 2 submissions from 2 submitters: Uncertain significance (2). Last evaluated 2022-04-25.

Conditions:
Inborn genetic diseases. Identifiers: MedGen C0950123, MeSH D030342.

Allele frequency attached by ClinVar (database versions not stated): gnomAD 0.00001; TOPMed 0.00002; ExAC 0.00004; gnomAD exomes 0.00005; ESP Exome Variant Server 0.00008.
gnomAD v4.1: 42 of 1,614,076 alleles (0.0026%); highest among the groups gnomAD compares: Non-Finnish European, 0.00042%; 1 homozygote.

Submissions (2):

Ambry Genetics
Classification: Uncertain significance for Inborn genetic diseases. Last evaluated: 2022-04-25. Review status: criteria provided, single submitter. Criteria: Ambry Variant Classification Scheme 2023. Collection method: clinical testing. Allele origin: germline.

Labcorp Genetics (formerly Invitae), Labcorp
Classification: Uncertain significance. Last evaluated: 2021-10-29. Review status: criteria provided, single submitter. Criteria: Invitae Variant Classification Sherloc (09022015). Collection method: clinical testing. Allele origin: germline.
Comment: In summary, the available evidence is currently insufficient to determine the role of this variant in disease. Therefore, it has been classified as a Variant of Uncertain Significance. Algorithms developed to predict the effect of missense changes on protein structure and function are either unavailable or do not agree on the potential impact of this missense change (SIFT: "Tolerated"; PolyPhen-2: "Probably Damaging"; Align-GVGD: "Class C0"). This variant has not been reported in the literature in individuals affected with SFRP4-related conditions. This variant is present in population databases (rs201127378, gnomAD 0.09%). This sequence change replaces alanine, which is neutral and non-polar, with threonine, which is neutral and polar, at codon 104 of the SFRP4 protein (p.Ala104Thr).